The following is an entry in ClinVar:

ClinVar aggregate classification (germline): Pathogenic (1 of 4 stars; one submission).

Submission:

Quest Diagnostics Nichols Institute San Juan Capistrano
Classification: Pathogenic. Last evaluated: 2023-02-10. Review status: criteria provided, single submitter. Criteria: Quest Diagnostics criteria. Collection method: clinical testing. Allele origin: unknown.
Comment: This nonsense variant causes the premature termination of BRCA1 protein synthesis, and is described in an online database as being pathogenic (ARUP). The frequency of this variant in the general population, 0.0000066 (1/152166 chromosomes), is consistent with pathogenicity. In the published literature, the variant has been reported in an individual with ovarian cancer (PMID: 31411802 (2019)). Based on the available information, this variant is classified as pathogenic.

Literature cited by the submitters: PubMed 31411802.

NM_007294.4(BRCA1):c.2206G>T (p.Glu736Ter)

Gene: BRCA1 (BRCA1 DNA repair associated; minus strand). Cytogenetic location: 17q21.31.
Variant type: single nucleotide variant.
Coding change: c.2206G>T on transcript NM_007294.4 (MANE Select); coding-DNA position 2206, G replaced by T.
Protein change: p.Glu736Ter; replaces glutamic acid 736 with a stop codon.
Molecular consequence: nonsense. On other transcripts: intron variant (137).
Genome position (GRCh38, 1-based): chr17:43,093,325, C>A on the plus strand (G>T on the coding strand, the complement: BRCA1 is on the minus strand). VCF-style: chr17-43093325-C-A. GRCh37 (hg19) VCF-style: chr17-41245342-C-A.
Other names: c.1993G>T, p.Glu665Ter (NM_001407571.1, NM_001407853.1, NM_001407894.1 and 9 more transcripts); c.2206G>T, p.Glu736Ter (NM_001407581.1, NM_001407582.1, NM_001407583.1 and 30 more transcripts); c.2203G>T, p.Glu735Ter (NM_001407587.1, NM_001407590.1, NM_001407591.1 and 22 more transcripts); c.2197G>T, p.Glu733Ter (NM_001407646.1, NM_001407647.1); c.2083G>T, p.Glu695Ter (NM_001407648.1, NM_001407664.1, NM_001407665.1 and 19 more transcripts); c.2080G>T, p.Glu694Ter (NM_001407649.1, NM_001407670.1, NM_001407671.1 and 11 more transcripts); c.2128G>T, p.Glu710Ter (NM_001407653.1, NM_001407654.1, NM_001407655.1 and 4 more transcripts); c.2125G>T, p.Glu709Ter (NM_001407659.1, NM_001407660.1, NM_001407661.1 and 1 more transcripts); and 41 more; short protein forms E689*, E736*, E568*, E608*, E625*, E694*, E609*, E624*.
Identifiers: ClinVar variation 2682150 (VCV002682150.1), dbSNP rs2154393441, ClinGen allele CA10597585.